The following is an entry in ClinVar:

ClinVar aggregate classification (germline): Uncertain significance. Review status: criteria provided, multiple submitters, no conflicts (2 of 4 stars). 6 submissions from 6 submitters: Uncertain significance (5). 1 of the submissions does not count toward it. Last evaluated 2026-07-12.

Conditions:
Inborn genetic diseases. Identifiers: MedGen C0950123, MeSH D030342.
Cohen syndrome (COH1). Also called: PEPPER SYNDROME; Cutis verticis gyrata, retinitis pigmentosa, and sensorineural deafness. Identifiers: Orphanet 193, MedGen C0265223, MONDO:0008999, OMIM 216550.
VPS13B-related disorder. Also called: VPS13B-related condition.

Allele frequency attached by ClinVar (database versions not stated): gnomAD exomes below 0.00001 and 0.00001; ExAC 0.00001; gnomAD 0.00003 and 0.00004; TOPMed 0.00005.
gnomAD v4.1: 29 of 1,612,884 alleles (0.0018%); highest among the groups gnomAD compares: African/African-American, 0.024%; no homozygotes.

Submissions (6):

PreventionGenetics, part of Exact Sciences
Classification: Uncertain significance for VPS13B-related condition. Last evaluated: 2026-07-12. Review status: criteria provided, single submitter. Criteria: ACMG Guidelines, 2015. Collection method: clinical testing. Allele origin: germline.
Comment: The VPS13B c.2248A>G variant is predicted to result in the amino acid substitution p.Ser750Gly. To our knowledge, this variant has not been reported in the literature. This variant is reported in 0.0080% of alleles in individuals of African descent in gnomAD. At this time, the clinical significance of this variant is uncertain due to the absence of conclusive functional and genetic evidence.

Ambry Genetics
Classification: Uncertain significance for Inborn genetic diseases. Last evaluated: 2025-01-27. Review status: criteria provided, single submitter. Criteria: Ambry Variant Classification Scheme 2023. Collection method: clinical testing. Allele origin: germline.

Labcorp Genetics (formerly Invitae), Labcorp
Classification: Uncertain significance for Cohen syndrome. Last evaluated: 2022-10-25. Review status: criteria provided, single submitter. Criteria: Invitae Variant Classification Sherloc (09022015). Collection method: clinical testing. Allele origin: germline.
Comment: This sequence change replaces serine, which is neutral and polar, with glycine, which is neutral and non-polar, at codon 750 of the VPS13B protein (p.Ser750Gly). This variant is present in population databases (rs112858205, gnomAD 0.008%). This variant has not been reported in the literature in individuals affected with VPS13B-related conditions. ClinVar contains an entry for this variant (Variation ID: 960142). Advanced modeling of protein sequence and biophysical properties (such as structural, functional, and spatial information, amino acid conservation, physicochemical variation, residue mobility, and thermodynamic stability) performed at Invitae indicates that this missense variant is not expected to disrupt VPS13B protein function. In summary, the available evidence is currently insufficient to determine the role of this variant in disease. Therefore, it has been classified as a Variant of Uncertain Significance.

Fulgent Genetics
Classification: Uncertain significance for Cohen syndrome. Last evaluated: 2021-07-03. Review status: criteria provided, single submitter. Criteria: ACMG Guidelines, 2015. Collection method: clinical testing. Allele origin: unknown.

Genetic Services Laboratory, University of Chicago
Classification: Uncertain significance. Last evaluated: 2018-04-09. Review status: criteria provided, single submitter. Criteria: ACMG Guidelines, 2015. Collection method: clinical testing. Allele origin: germline. Affected: no.

Natera, Inc.
Classification: Uncertain significance for Cohen syndrome. Last evaluated: 2020-06-21. Review status: no assertion criteria provided. Collection method: clinical testing. Allele origin: germline. Not counted in ClinVar's aggregate classification.

NM_152564.5(VPS13B):c.2248A>G (p.Ser750Gly)

Gene: VPS13B (vacuolar protein sorting 13 homolog B; plus strand). Cytogenetic location: 8q22.2.
Variant type: single nucleotide variant.
Coding change: c.2248A>G on transcript NM_152564.5 (MANE Select); coding-DNA position 2248, A replaced by G.
Protein change: p.Ser750Gly; replaces serine 750 with glycine.
Molecular consequence: missense variant.
Genome position (GRCh38, 1-based): chr8:99,170,078, A>G. VCF-style: chr8-99170078-A-G. GRCh37 (hg19) VCF-style: chr8-100182306-A-G.
Other names: c.2248A>G (NM_152564.4, NM_017890.3); c.2248A>G, p.Ser750Gly (NM_015243.3, NM_017890.5); short protein forms S750G.
Identifiers: ClinVar variation 960142 (VCV000960142.12), dbSNP rs112858205, ClinGen allele CA4822861.
Genomic context (GRCh38, chr8:99,170,078, plus strand): 5'-CATCTTTTCTTTTTGTTTTAGATATTTGGTTTCCAGGCAGGACTGACGTCTTTGGATTGC[A>G]GTGGATCTTACTGCTTACCTGTACCAGTTATTCCCTCTTTCAGCACTGCTCTTTATGGGA-3'
Protein context (NP_689777.3, residues 740-760): FQAGLTSLDC[Ser750Gly]GSYCLPVPVI